The following is an entry in ClinVar:

ClinVar aggregate classification (germline): Uncertain significance (1 of 4 stars; one submission).

Submission:

ISCA site 4
Classification: Uncertain significance. Last evaluated: 2011-08-12. Review status: criteria provided, single submitter. Criteria: Kaminsky et al. (Genet Med. 2011). Collection method: clinical testing. Allele origin: unknown. Affected: yes. Observed: 2 variant alleles.
Comment: Copy number variation identified through the course of routine clinical cytogenomic testing in postnatal populations. Clinical assertions have been curated as described in Kaminsky et al. 2011.

GRCh38/hg38 16p13.11(chr16:14954894-16100721)x3

Genes: ABCC1 (ATP binding cassette subfamily C member 1 (ABCC1 blood group); plus strand), BMERB1 (bMERB domain containing 1; plus strand), CEP20 (centrosomal protein 20; minus strand), MARF1 (meiosis regulator and mRNA stability factor 1; minus strand), MIR1972-1 (microRNA 1972-1; minus strand) and 30 more. Cytogenetic location: 16p13.11.
Variant type: copy number gain.
Change: copy number 3 (three copies instead of two) of chr16:14,954,894-16,100,721 (1.15 Mb, GRCh38 coordinates, 1-based), cytogenetic band 16p13.11.
Identifiers: ClinVar variation 160973 (VCV000160973.1).